The following is an entry in ClinVar:

NM_001354712.2(THRB):c.937A>G (p.Met313Val)

Gene: THRB (thyroid hormone receptor beta; minus strand). Cytogenetic location: 3p24.2.
Variant type: single nucleotide variant.
Coding change: c.937A>G on transcript NM_001354712.2 (MANE Select); coding-DNA position 937, A replaced by G.
Protein change: p.Met313Val; replaces methionine 313 with valine.
Molecular consequence: missense variant.
Genome position (GRCh38, 1-based): chr3:24,127,706, T>C on the plus strand (A>G on the coding strand, the complement: THRB is on the minus strand). VCF-style: chr3-24127706-T-C. GRCh37 (hg19) VCF-style: chr3-24169197-T-C.
Other names: c.937A>G, p.Met313Val (NM_000461.5, NM_001128176.3, NM_001128177.2 and 6 more transcripts); c.844A>G, p.Met282Val (NM_001354714.2, NM_001354715.2); short protein forms M313V, M282V.
Identifiers: ClinVar variation 439313 (VCV000439313.4), dbSNP rs1553611086, ClinGen allele CA351888919.

ClinVar aggregate classification (germline): Conflicting classifications of pathogenicity. Review status: criteria provided, conflicting classifications (1 of 4 stars). 2 submissions from 2 submitters: Likely pathogenic (1); Uncertain significance (1). Last evaluated 2025-07-09.

Submissions (2):

Quest Diagnostics Nichols Institute San Juan Capistrano
Classification: Uncertain significance. Last evaluated: 2025-07-09. Review status: criteria provided, single submitter. Criteria: Quest Diagnostics criteria. Collection method: clinical testing. Allele origin: unknown.
Comment: The THRB c.937A>G (p.Met313Val) variant has been reported in the published literature in individuals and families with resistance to thyroid hormone (RTH) (PMID: 25402385 (2014), 30027432 (2018)). This variant has not been reported in large, multi-ethnic general populations (Genome Aggregation Database). Analysis of this variant using bioinformatics tools for the prediction of the effect of amino acid changes on protein structure and function yielded predictions that this variant is damaging. Based on the available information, we are unable to determine the clinical significance of this variant.

GeneDx
Classification: Likely pathogenic. Last evaluated: 2024-05-28. Review status: criteria provided, single submitter. Criteria: GeneDx Variant Classification Process June 2021. Collection method: clinical testing. Allele origin: germline. Affected: yes.
Comment: Segregates with disease in affected individuals from unrelated families with thyroid hormone resistance in the published literature (PMID: 25402385, 30027432); Not observed at significant frequency in large population cohorts (gnomAD); In silico analysis supports that this missense variant has a deleterious effect on protein structure/function; This variant is associated with the following publications: (PMID: 25402385, 30027432, 21795843, 34727089)

Literature cited by the submitters: PubMed 25402385 (cited by Quest Diagnostics Nichols Institute San Juan Capistrano); PubMed 30027432 (cited by Quest Diagnostics Nichols Institute San Juan Capistrano).